The following is an entry in ClinVar:

ClinVar aggregate classification (germline): Uncertain significance. Review status: criteria provided, multiple submitters, no conflicts (2 of 4 stars). 5 submissions from 5 submitters: Uncertain significance (4). 1 of the submissions does not count toward it. Last evaluated 2023-09-29.

Conditions:
Nemaline myopathy 2 (NEM2). Also called: Nemaline myopathy 2, autosomal recessive. Identifiers: MedGen C1850569, MONDO:0009725, OMIM 256030.
Inborn genetic diseases. Identifiers: MedGen C0950123, MeSH D030342.

Allele frequency attached by ClinVar (database versions not stated): TOPMed 0.00001.
gnomAD v4.1: 20 of 1,610,820 alleles (0.0012%); highest among the groups gnomAD compares: East Asian, 0.0022%; no homozygotes.

Submissions (5):

Ambry Genetics
Classification: Uncertain significance for Inborn genetic diseases. Last evaluated: 2023-09-29. Review status: criteria provided, single submitter. Criteria: Ambry Variant Classification Scheme 2023. Collection method: clinical testing. Allele origin: germline.

Revvity Omics, Revvity
Classification: Uncertain significance. Last evaluated: 2023-09-06. Review status: criteria provided, single submitter. Criteria: ACMG Guidelines, 2015. Collection method: clinical testing. Allele origin: germline.

Labcorp Genetics (formerly Invitae), Labcorp
Classification: Uncertain significance for Nemaline myopathy 2. Last evaluated: 2021-08-27. Review status: criteria provided, single submitter. Criteria: Invitae Variant Classification Sherloc (09022015). Collection method: clinical testing. Allele origin: germline.
Comment: This sequence change replaces alanine with threonine at codon 5597 of the NEB protein (p.Ala5597Thr). The alanine residue is moderately conserved and there is a small physicochemical difference between alanine and threonine. This variant is present in population databases (rs749713442, ExAC 0.003%). This variant has not been reported in the literature in individuals affected with NEB-related conditions. Algorithms developed to predict the effect of missense changes on protein structure and function are either unavailable or do not agree on the potential impact of this missense change (SIFT: "Deleterious"; PolyPhen-2: "Not Available"; Align-GVGD: "Class C0"). In summary, the available evidence is currently insufficient to determine the role of this variant in disease. Therefore, it has been classified as a Variant of Uncertain Significance.

GeneDx
Classification: Uncertain significance. Last evaluated: 2020-01-14. Review status: criteria provided, single submitter. Criteria: GeneDx Variant Classification Process June 2021. Collection method: clinical testing. Allele origin: germline. Affected: yes.
Comment: Not observed at a significant frequency in large population cohorts (Lek et al., 2016); In silico analysis, which includes protein predictors and evolutionary conservation, supports a deleterious effect; Has not been previously published as pathogenic or benign to our knowledge

Natera, Inc.
Classification: Uncertain significance for Nemaline myopathy type 2. Last evaluated: 2020-03-11. Review status: no assertion criteria provided. Collection method: clinical testing. Allele origin: germline. Not counted in ClinVar's aggregate classification.

NM_001164508.2(NEB):c.16789G>A (p.Ala5597Thr)

Gene: NEB (nebulin; minus strand). Cytogenetic location: 2q23.3.
Variant type: single nucleotide variant.
Coding change: c.16789G>A on transcript NM_001164508.2 (MANE Select); coding-DNA position 16789, G replaced by A.
Protein change: p.Ala5597Thr; replaces alanine 5597 with threonine.
Molecular consequence: missense variant.
Genome position (GRCh38, 1-based): chr2:151,576,270, C>T on the plus strand (G>A on the coding strand, the complement: NEB is on the minus strand). VCF-style: chr2-151576270-C-T. GRCh37 (hg19) VCF-style: chr2-152432784-C-T.
Other names: c.11686G>A (NM_004543.4); c.16789G>A, p.Ala5597Thr (NM_001164507.2, NM_001271208.2); c.11686G>A, p.Ala3896Thr (NM_004543.5); short protein forms A3896T, A5597T.
Identifiers: ClinVar variation 847376 (VCV000847376.8), dbSNP rs749713442, ClinGen allele CA1908384.